The following is an entry in ClinVar:

NM_145068.4(TRPV3):c.1010G>A (p.Arg337His)

Gene: TRPV3 (transient receptor potential cation channel subfamily V member 3; minus strand). Cytogenetic location: 17p13.2.
Variant type: single nucleotide variant.
Coding change: c.1010G>A on transcript NM_145068.4 (MANE Select); coding-DNA position 1010, G replaced by A.
Protein change: p.Arg337His; replaces arginine 337 with histidine.
Molecular consequence: missense variant.
Genome position (GRCh38, 1-based): chr17:3,532,712, C>T on the plus strand (G>A on the coding strand, the complement: TRPV3 is on the minus strand). VCF-style: chr17-3532712-C-T. GRCh37 (hg19) VCF-style: chr17-3436006-C-T.
Other names: c.1010G>A, p.Arg337His (NM_001258205.2); short protein forms R337H.
Identifiers: ClinVar variation 2364654 (VCV002364654.3), dbSNP rs202193958, ClinGen allele CA8289647.

ClinVar aggregate classification (germline): Uncertain significance. Review status: criteria provided, multiple submitters, no conflicts (2 of 4 stars). 2 submissions from 2 submitters: Uncertain significance (2). Last evaluated 2025-10-26.

Conditions:
Inborn genetic diseases. Identifiers: MedGen C0950123, MeSH D030342.

Allele frequency attached by ClinVar (database versions not stated): ExAC 0.00002; gnomAD 0.00008.
gnomAD v4.1: 133 of 1,614,118 alleles (0.0082%); highest among the groups gnomAD compares: African/African-American, 0.021%; no homozygotes.

Submissions (2):

Labcorp Genetics (formerly Invitae), Labcorp
Classification: Uncertain significance. Last evaluated: 2025-10-26. Review status: criteria provided, single submitter. Criteria: Invitae Variant Classification Sherloc (09022015). Collection method: clinical testing. Allele origin: germline.
Comment: This sequence change replaces arginine, which is basic and polar, with histidine, which is basic and polar, at codon 337 of the TRPV3 protein (p.Arg337His). This variant is present in population databases (rs202193958, gnomAD 0.01%). This variant has not been reported in the literature in individuals affected with TRPV3-related conditions. ClinVar contains an entry for this variant (Variation ID: 2364654). Invitae Evidence Modeling of protein sequence and biophysical properties (such as structural, functional, and spatial information, amino acid conservation, physicochemical variation, residue mobility, and thermodynamic stability) indicates that this missense variant is not expected to disrupt TRPV3 protein function with a negative predictive value of 95%. In summary, the available evidence is currently insufficient to determine the role of this variant in disease. Therefore, it has been classified as a Variant of Uncertain Significance.

Ambry Genetics
Classification: Uncertain significance for Inborn genetic diseases. Last evaluated: 2022-01-03. Review status: criteria provided, single submitter. Criteria: Ambry Variant Classification Scheme 2023. Collection method: clinical testing. Allele origin: germline.